The following is an entry in ClinVar:

NM_020693.4(DSCAML1):c.130G>C (p.Val44Leu)

Gene: DSCAML1 (DS cell adhesion molecule like 1; minus strand). Cytogenetic location: 11q23.3.
Variant type: single nucleotide variant.
Coding change: c.130G>C on transcript NM_020693.4 (MANE Select); coding-DNA position 130, G replaced by C.
Protein change: p.Val44Leu; replaces valine 44 with leucine.
Molecular consequence: missense variant. On other transcripts: 5 prime UTR variant (1).
Genome position (GRCh38, 1-based): chr11:117,780,727, C>G on the plus strand (G>C on the coding strand, the complement: DSCAML1 is on the minus strand). VCF-style: chr11-117780727-C-G. GRCh37 (hg19) VCF-style: chr11-117651442-C-G.
Other names: c.130G>C, p.Val44Leu (NM_001367904.1); c.-279G>C (NM_001367905.1); short protein forms V44L.
Identifiers: ClinVar variation 2770366 (VCV002770366.3), dbSNP rs2496837277, ClinGen allele CA382760985.

ClinVar aggregate classification (germline): Uncertain significance (1 of 4 stars; one submission).

Submission:

Labcorp Genetics (formerly Invitae), Labcorp
Classification: Uncertain significance. Last evaluated: 2023-10-20. Review status: criteria provided, single submitter. Criteria: Invitae Variant Classification Sherloc (09022015). Collection method: clinical testing. Allele origin: germline.
Comment: This sequence change replaces valine, which is neutral and non-polar, with leucine, which is neutral and non-polar, at codon 104 of the DSCAML1 protein (p.Val104Leu). This variant is not present in population databases (gnomAD no frequency). This variant has not been reported in the literature in individuals affected with DSCAML1-related conditions. An algorithm developed to predict the effect of missense changes on protein structure and function (PolyPhen-2) suggests that this variant is likely to be tolerated. In summary, the available evidence is currently insufficient to determine the role of this variant in disease. Therefore, it has been classified as a Variant of Uncertain Significance.